The following is an entry in ClinVar:

NM_021254.4(CFAP298):c.534+4C>T

Genes: CFAP298 (cilia and flagella associated protein 298; minus strand), CFAP298-TCP10L (CFAP298-TCP10L readthrough; minus strand). Cytogenetic location: 21q22.11.
Variant type: single nucleotide variant.
Coding change: c.534+4C>T on transcript NM_021254.4 (MANE Select); 4 bases into the intron after coding-DNA position 534, C replaced by T.
Molecular consequence: intron variant.
Genome position (GRCh38, 1-based): chr21:32,604,121, G>A on the plus strand (C>T on the coding strand, the complement: CFAP298 is on the minus strand). VCF-style: chr21-32604121-G-A. GRCh37 (hg19) VCF-style: chr21-33976431-G-A.
Other names: c.534+4C>T (NM_001350338.2, NM_001350336.2, NM_001350337.2 and 1 more transcripts); c.237+4C>T (NM_001350334.2).
Identifiers: ClinVar variation 1054027 (VCV001054027.6), dbSNP rs377230341, ClinGen allele CA10002840.

ClinVar aggregate classification (germline): Uncertain significance (1 of 4 stars; one submission).

Allele frequency attached by ClinVar (database versions not stated): gnomAD exomes 0.00004 and 0.00009; ExAC 0.00008; gnomAD 0.00041 and 0.00045; TOPMed 0.00041; ESP Exome Variant Server 0.00054.
gnomAD v4.1: 122 of 1,613,022 alleles (0.0076%); highest among the groups gnomAD compares: African/African-American, 0.14%; no homozygotes.

Submission:

Labcorp Genetics (formerly Invitae), Labcorp
Classification: Uncertain significance. Last evaluated: 2021-08-27. Review status: criteria provided, single submitter. Criteria: Invitae Variant Classification Sherloc (09022015). Collection method: clinical testing. Allele origin: germline.
Comment: This sequence change falls in intron 4 of the CFAP298 gene. It does not directly change the encoded amino acid sequence of the CFAP298 protein. It affects a nucleotide within the consensus splice site of the intron. This variant is present in population databases (rs377230341, ExAC 0.08%). This variant has not been reported in the literature in individuals affected with CFAP298-related conditions. Variants that disrupt the consensus splice site are a relatively common cause of aberrant splicing (PMID: 17576681, 9536098). Algorithms developed to predict the effect of sequence changes on RNA splicing suggest that this variant is not likely to affect RNA splicing. In summary, the available evidence is currently insufficient to determine the role of this variant in disease. Therefore, it has been classified as a Variant of Uncertain Significance.

Literature cited by the submitters: PubMed 17576681; PubMed 9536098.